The following is an entry in ClinVar:

ClinVar aggregate classification (germline): Benign (1 of 4 stars; one submission).

Conditions:
Jalili syndrome. Also called: CONE-ROD DYSTROPHY AND AMELOGENESIS IMPERFECTA. Identifiers: Orphanet 1873, MedGen C3495589, MONDO:0009007, OMIM 217080.

Allele frequency attached by ClinVar (database versions not stated): 1000 Genomes Project 0.02536; gnomAD 0.02540 and 0.02516; TOPMed 0.02809; 1000 Genomes Project 30x 0.02748.

Submission:

Illumina Laboratory Services, Illumina
Classification: Benign for Jalili syndrome. Last evaluated: 2018-01-12. Review status: criteria provided, single submitter. Criteria: ICSL Variant Classification Criteria 13 December 2019. Collection method: clinical testing. Allele origin: germline.
Comment: This variant was observed in the ICSL laboratory as part of a predisposition screen in an ostensibly healthy population. It had not been previously curated by ICSL or reported in the Human Gene Mutation Database (HGMD: prior to June 1st, 2018), and was therefore a candidate for classification through an automated scoring system. Utilizing variant allele frequency, disease prevalence and penetrance estimates, and inheritance mode, an automated score was calculated to assess if this variant is too frequent to cause the disease. Based on the score and internal cut-off values, a variant classified as benign is not then subjected to further curation. The score for this variant resulted in a classification of benign for this disease.

NM_020184.4(CNNM4):c.*1482C>T

Gene: CNNM4 (cyclin and CBS domain divalent metal cation transport mediator 4; plus strand). Cytogenetic location: 2q11.2.
Variant type: single nucleotide variant.
Coding change: c.*1482C>T on transcript NM_020184.4 (MANE Select); 1482 bases downstream of the stop codon, C replaced by T.
Molecular consequence: 3 prime UTR variant.
Genome position (GRCh38, 1-based): chr2:96,810,999, C>T. VCF-style: chr2-96810999-C-T. GRCh37 (hg19) VCF-style: chr2-97476736-C-T.
Identifiers: ClinVar variation 337609 (VCV000337609.5), dbSNP rs10172803, ClinGen allele CA10614679.
Genomic context (GRCh38, chr2:96,810,999, plus strand): 5'-GAGGCTGTGGGACCAAGGTCCATGTTGGTCCTTCCACTGGGTGCAGCAGGAGCTGGGTCC[C>T]GAGAGCCTGGCAGGTGAAACTCTGCAGGCCTTCCGCCTGATTATTATTTATTCACTCCTT-3'